The following is an entry in ClinVar:

ClinVar aggregate classification (germline): Benign/Likely benign. Review status: criteria provided, multiple submitters, no conflicts (2 of 4 stars). 9 submissions from 9 submitters: Benign (2); Likely benign (7). Last evaluated 2026-01-28.

Conditions:
Noonan syndrome and Noonan-related syndrome. Identifiers: Orphanet 98733, MedGen C5681679, MONDO:0020297.
Cardiovascular phenotype. Identifiers: MedGen CN230736.
RASopathy. Also called: rasopathies; Noonan spectrum disorder. Identifiers: Orphanet 536391, MedGen C5555857, MONDO:0021060.

Allele frequency attached by ClinVar (database versions not stated): TOPMed 0.00022; gnomAD 0.00024 and 0.00025.
gnomAD v4.1: 625 of 1,562,028 alleles (0.04%); highest among the groups gnomAD compares: Middle Eastern, 0.067%; 1 homozygote.

Submissions (9):

Labcorp Genetics (formerly Invitae), Labcorp
Classification: Likely benign for RASopathy. Last evaluated: 2026-01-28. Review status: criteria provided, single submitter. Criteria: Invitae Variant Classification Sherloc (09022015). Collection method: clinical testing. Allele origin: germline.

Blueprint Genetics
Classification: Likely benign. Last evaluated: 2024-10-11. Review status: criteria provided, single submitter. Criteria: ACMG Guidelines, 2015. Collection method: clinical testing. Allele origin: germline.

CeGaT Center for Human Genetics Tuebingen
Classification: Likely benign. Last evaluated: 2024-10-01. Review status: criteria provided, single submitter. Criteria: CeGaT Center For Human Genetics Tuebingen Variant Classification Criteria Version 2. Collection method: clinical testing. Allele origin: germline. Affected: yes. Observed: 2 variant alleles.
Comment: MAP2K1: BP4, BP7

ARUP Laboratories, Molecular Genetics and Genomics, ARUP Laboratories
Classification: Likely benign. Last evaluated: 2024-03-20. Review status: criteria provided, single submitter. Criteria: ARUP Molecular Germline Variant Investigation Process 2024. Collection method: clinical testing. Allele origin: germline.

Ambry Genetics
Classification: Likely benign for Cardiovascular phenotype. Last evaluated: 2022-08-10. Review status: criteria provided, single submitter. Criteria: Ambry Variant Classification Scheme 2023. Collection method: clinical testing. Allele origin: germline.

Women's Health and Genetics/Laboratory Corporation of America, LabCorp
Classification: Benign. Last evaluated: 2021-09-07. Review status: criteria provided, single submitter. Criteria: LabCorp Variant Classification Summary - May 2015. Collection method: clinical testing. Allele origin: germline.

Genome Diagnostics Laboratory, The Hospital for Sick Children
Classification: Likely benign for Noonan syndrome and Noonan-related syndrome. Last evaluated: 2019-02-01. Review status: criteria provided, single submitter. Criteria: ACMG Guidelines, 2015. Collection method: clinical testing. Allele origin: germline.

GeneDx
Classification: Benign. Last evaluated: 2015-03-03. Review status: criteria provided, single submitter. Criteria: GeneDx Variant Classification Process June 2021. Collection method: clinical testing. Allele origin: germline. Affected: yes.

Laboratory for Molecular Medicine, Mass General Brigham Personalized Medicine
Classification: Likely benign. Last evaluated: 2011-09-07. Review status: criteria provided, single submitter. Criteria: LMM Criteria. Collection method: clinical testing. Allele origin: germline. Observed: 2 variant alleles.
Comment: Pro2Pro in exon 1 of MAP2K1: This variant is not expected to have clinical signi ficance because it does not alter an amino acid residue and it is not located ne ar a splice junction.

NM_002755.4(MAP2K1):c.6C>T (p.Pro2=)

Gene: MAP2K1 (mitogen-activated protein kinase kinase 1; plus strand). Cytogenetic location: 15q22.31.
Variant type: single nucleotide variant.
Coding change: c.6C>T on transcript NM_002755.4 (MANE Select); coding-DNA position 6, C replaced by T.
Protein change: p.Pro2=; no amino-acid change (proline 2 retained).
Molecular consequence: synonymous variant.
Genome position (GRCh38, 1-based): chr15:66,387,353, C>T. VCF-style: chr15-66387353-C-T. GRCh37 (hg19) VCF-style: chr15-66679691-C-T.
Other names: p.P2P.
Identifiers: ClinVar variation 40739 (VCV000040739.50), dbSNP rs377720622, ClinGen allele CA134610.